The following is an entry in ClinVar:

ClinVar aggregate classification (germline): Benign/Likely benign. Review status: criteria provided, multiple submitters, no conflicts (2 of 4 stars). 6 submissions from 6 submitters: Benign (3); Likely benign (3). Last evaluated 2026-02-04.

Conditions:
Severe combined immunodeficiency due to DNA-PKcs deficiency. Also called: IMMUNODEFICIENCY 26 WITH NEUROLOGIC ABNORMALITIES; Immunodeficiency 26 with or without neurologic abnormalities. Identifiers: Orphanet 317425, MedGen C4014833, MONDO:0014423, OMIM 615966.

Allele frequency attached by ClinVar (database versions not stated): gnomAD exomes 0.07100 and 0.11943; ESP Exome Variant Server 0.12059; gnomAD 0.13283 and 0.13382; ExAC 0.13740; TOPMed 0.15797; 1000 Genomes Project 0.18450; 1000 Genomes Project 30x 0.18488.
gnomAD v4.1: 123,492 of 1,593,232 alleles (7.8%); highest among the groups gnomAD compares: Admixed American, 28%; 8,905 homozygotes.

Submissions (6):

Labcorp Genetics (formerly Invitae), Labcorp
Classification: Benign for Severe combined immunodeficiency due to DNA-PKcs deficiency. Last evaluated: 2026-02-04. Review status: criteria provided, single submitter. Criteria: Invitae Variant Classification Sherloc (09022015). Collection method: clinical testing. Allele origin: germline.

Blueprint Genetics
Classification: Likely benign. Last evaluated: 2024-11-27. Review status: criteria provided, single submitter. Criteria: ACMG Guidelines, 2015. Collection method: clinical testing. Allele origin: germline.

Unidad de Genómica Garrahan, Hospital de Pediatría Garrahan
Classification: Benign. Last evaluated: 2024-01-24. Review status: criteria provided, single submitter. Criteria: ACMG Guidelines, 2015. Collection method: clinical testing. Allele origin: germline. Affected: no. Observed: 40 variant alleles.
Comment: This variant is classified as Benign based on local population frequency. This variant was detected in 42% of patients studied by a panel of primary immunodeficiencies. Number of patients: 40. Only high quality variants are reported.

Women's Health and Genetics/Laboratory Corporation of America, LabCorp
Classification: Likely benign. Last evaluated: 2021-12-03. Review status: criteria provided, single submitter. Criteria: LabCorp Variant Classification Summary - May 2015. Collection method: clinical testing. Allele origin: germline.

GeneDx
Classification: Benign. Last evaluated: 2016-01-05. Review status: criteria provided, single submitter. Criteria: GeneDx Variant Classification (06012015). Collection method: clinical testing. Allele origin: germline. Affected: yes.
Comment: This variant is considered likely benign or benign based on one or more of the following criteria: it is a conservative change, it occurs at a poorly conserved position in the protein, it is predicted to be benign by multiple in silico algorithms, and/or has population frequency not consistent with disease.

Breakthrough Genomics
Classification: Likely benign. Review status: criteria provided, single submitter. Criteria: ACMG Guidelines, 2015. Collection method: not provided. Allele origin: germline. Inheritance: Autosomal recessive inheritance. Affected: yes.

NM_006904.7(PRKDC):c.10301T>C (p.Ile3434Thr)

Gene: PRKDC (protein kinase, DNA-activated, catalytic subunit; minus strand). Cytogenetic location: 8q11.21.
Variant type: single nucleotide variant.
Coding change: c.10301T>C on transcript NM_006904.7 (MANE Select); coding-DNA position 10301, T replaced by C.
Protein change: p.Ile3434Thr; replaces isoleucine 3434 with threonine.
Molecular consequence: missense variant.
Genome position (GRCh38, 1-based): chr8:47,798,394, A>G on the plus strand (T>C on the coding strand, the complement: PRKDC is on the minus strand). VCF-style: chr8-47798394-A-G. GRCh37 (hg19) VCF-style: chr8-48710955-A-G.
Other names: c.10301T>C, p.Ile3434Thr (NM_001081640.2); short protein forms I3434T.
Identifiers: ClinVar variation 379415 (VCV000379415.13), dbSNP rs7830743, ClinGen allele CA4739340.